The following is an entry in ClinVar:

ClinVar aggregate classification (germline): Benign (0 of 4 stars; one submission).

Conditions:
PPP2R3A-related disorder. Also called: PPP2R3A-related condition.

Allele frequency attached by ClinVar (database versions not stated): ESP Exome Variant Server 0.00015; gnomAD exomes 0.00044; gnomAD 0.00074; TOPMed 0.00100; ExAC 0.00141; 1000 Genomes Project 0.00220; 1000 Genomes Project 30x 0.00234.
gnomAD v4.1: 765 of 1,614,094 alleles (0.047%); highest among the groups gnomAD compares: East Asian, 1.1%; 3 homozygotes.

Submission:

PreventionGenetics, part of Exact Sciences
Classification: Benign for PPP2R3A-related condition. Last evaluated: 2019-09-18. Review status: no assertion criteria provided. Collection method: clinical testing. Allele origin: germline.
Comment: This variant is classified as benign based on ACMG/AMP sequence variant interpretation guidelines (Richards et al. 2015 PMID: 25741868, with internal and published modifications).

NM_002718.5(PPP2R3A):c.577C>G (p.Leu193Val)

Gene: PPP2R3A (protein phosphatase 2 regulatory subunit B''alpha; plus strand). Cytogenetic location: 3q22.3.
Variant type: single nucleotide variant.
Coding change: c.577C>G on transcript NM_002718.5 (MANE Select); coding-DNA position 577, C replaced by G.
Protein change: p.Leu193Val; replaces leucine 193 with valine.
Molecular consequence: missense variant. On other transcripts: intron variant (1).
Genome position (GRCh38, 1-based): chr3:136,002,075, C>G. VCF-style: chr3-136002075-C-G. GRCh37 (hg19) VCF-style: chr3-135720917-C-G.
Other names: c.-213-24757C>G (NM_001190447.2); short protein forms L193V.
Identifiers: ClinVar variation 3040470 (VCV003040470.2), dbSNP rs149080732, ClinGen allele CA2630424.
Genomic context (GRCh38, chr3:136,002,075, plus strand): 5'-TCCTTTGGTTTACTGCGGAGTTCCTCAGTTGAGGAAAAACCTTTGTCTCATAGAAACTCA[C>G]TGGATACGAACCTGACTTCCATGTTTCTTCAAAACTTTTCTGAAGAAGACTTGGTTACTC-3'
Protein context (NP_002709.2, residues 183-203): EEKPLSHRNS[Leu193Val]DTNLTSMFLQ